The following is an entry in ClinVar:

ClinVar aggregate classification (germline): Uncertain significance. Review status: criteria provided, multiple submitters, no conflicts (2 of 4 stars). 5 submissions from 5 submitters: Uncertain significance (5). Last evaluated 2026-08-20.

Conditions:
TTN-related disorder. Also called: TTN-related condition; TTN-related disease; TTN-related disorders.
Early-onset myopathy with fatal cardiomyopathy (CMYO5). Also called: Salih Myopathy; CONGENITAL MYOPATHY 5 WITH CARDIOMYOPATHY. Identifiers: Orphanet 289377, MedGen C2673677, MONDO:0012714, OMIM 611705. Disease mechanism: loss of function.
Dilated cardiomyopathy 1G (CMD1G). Identifiers: Orphanet 154, MedGen C1858763, MONDO:0011400, OMIM 604145.
Tibial muscular dystrophy (TMD). Also called: UDD MYOPATHY; Tibial muscular dystrophy, tardive; Udd Distal Myopathy – Tibial Muscular Dystrophy. Identifiers: Orphanet 609, MedGen C1838244, MONDO:0010870, OMIM 600334.
Autosomal recessive limb-girdle muscular dystrophy type 2J (LGMDR10). Also called: Limb-girdle muscular dystrophy, type 2J; MUSCULAR DYSTROPHY, LIMB-GIRDLE, AUTOSOMAL RECESSIVE 10. Identifiers: Orphanet 140922, MedGen C1837342, MONDO:0012127, OMIM 608807.
Hypertrophic cardiomyopathy 9. Also called: Familial hypertrophic cardiomyopathy 9. Identifiers: MedGen C1861065, MONDO:0013412, OMIM 613765.
Myopathy, myofibrillar, 9, with early respiratory failure (MFM9). Also called: Hereditary myopathy with early respiratory failure; MYOPATHY, PROXIMAL, WITH EARLY RESPIRATORY MUSCLE INVOLVEMENT; EDSTROM MYOPATHY; Myopathy, distal, with early respiratory failure, autosomal dominant. Identifiers: Orphanet 178464, Orphanet 34521, MedGen C1863599, MONDO:0011362, OMIM 603689.

Allele frequency attached by ClinVar (database versions not stated): gnomAD exomes 0.00001; TOPMed 0.00003; gnomAD 0.00005.
gnomAD v4.1: 24 of 1,611,138 alleles (0.0015%); highest among the groups gnomAD compares: African/African-American, 0.0027%; no homozygotes.

Submissions (5):

PreventionGenetics, part of Exact Sciences
Classification: Uncertain significance for TTN-related condition. Last evaluated: 2026-08-20. Review status: criteria provided, single submitter. Criteria: ACMG Guidelines, 2015. Collection method: clinical testing. Allele origin: germline.
Comment: The TTN c.50269G>A variant is predicted to result in the amino acid substitution p.Ala16757Thr. To our knowledge, this variant has not been reported in the literature. This variant is reported in 0.0018% of alleles in individuals of European (Non-Finnish) descent in gnomAD. At this time, the clinical significance of this variant is uncertain due to the absence of conclusive functional and genetic evidence.

Revvity Omics, Revvity
Classification: Uncertain significance. Last evaluated: 2025-05-06. Review status: criteria provided, single submitter. Criteria: ACMG Guidelines, 2015. Collection method: clinical testing. Allele origin: germline.

Mayo Clinic Laboratories, Mayo Clinic
Classification: Uncertain significance. Last evaluated: 2023-06-22. Review status: criteria provided, single submitter. Criteria: ACMG Guidelines, 2015. Collection method: clinical testing. Allele origin: germline. Observed: 1 variant allele.
Comment: BP4, PM2

Fulgent Genetics
Classification: Uncertain significance for Tibial muscular dystrophy; Myopathy, myofibrillar, 9, with early respiratory failure; Dilated cardiomyopathy 1G; Autosomal recessive limb-girdle muscular dystrophy type 2J; Early-onset myopathy with fatal cardiomyopathy; Hypertrophic cardiomyopathy 9. Last evaluated: 2021-08-13. Review status: criteria provided, single submitter. Criteria: ACMG Guidelines, 2015. Collection method: clinical testing. Allele origin: unknown.

Eurofins Ntd Llc (ga)
Classification: Uncertain significance. Last evaluated: 2015-09-03. Review status: criteria provided, single submitter. Criteria: EGL Classification Definitions 2015. Collection method: clinical testing. Allele origin: germline. Observed: 1 variant allele.

NM_001267550.2(TTN):c.50269G>A (p.Ala16757Thr)

Genes: TTN (titin; minus strand), TTN-AS1 (TTN antisense RNA 1; plus strand). Cytogenetic location: 2q31.2.
Variant type: single nucleotide variant.
Coding change: c.50269G>A on transcript NM_001267550.2 (MANE Select); coding-DNA position 50269, G replaced by A.
Protein change: p.Ala16757Thr; replaces alanine 16757 with threonine.
Molecular consequence: missense variant.
Genome position (GRCh38, 1-based): chr2:178,612,142, C>T on the plus strand (G>A on the coding strand, the complement: TTN is on the minus strand). VCF-style: chr2-178612142-C-T. GRCh37 (hg19) VCF-style: chr2-179476869-C-T.
Other names: p.Ala14189Thr; c.45346G>A, p.Ala15116Thr (NM_001256850.1); c.23074G>A, p.Ala7692Thr (NM_003319.4); c.42565G>A, p.Ala14189Thr (NM_133378.4); c.23449G>A, p.Ala7817Thr (NM_133432.3); c.23650G>A, p.Ala7884Thr (NM_133437.4); short protein forms A14189T, A16757T, A15116T, A7692T, A7817T, A7884T.
Identifiers: ClinVar variation 283015 (VCV000283015.9), dbSNP rs886042536, ClinGen allele CA10604370.